The following is an entry in ClinVar:

NM_014822.4(SEC24D):c.1735A>G (p.Ile579Val)

Gene: SEC24D (SEC24 homolog D, COPII component; minus strand). Cytogenetic location: 4q26.
Variant type: single nucleotide variant.
Coding change: c.1735A>G on transcript NM_014822.4 (MANE Select); coding-DNA position 1735, A replaced by G.
Protein change: p.Ile579Val; replaces isoleucine 579 with valine.
Molecular consequence: missense variant.
Genome position (GRCh38, 1-based): chr4:118,745,033, T>C on the plus strand (A>G on the coding strand, the complement: SEC24D is on the minus strand). VCF-style: chr4-118745033-T-C. GRCh37 (hg19) VCF-style: chr4-119666188-T-C.
Other names: c.1738A>G, p.Ile580Val (NM_001318066.2); short protein forms I579V, I580V.
Identifiers: ClinVar variation 4803716 (VCV004803716.1).
Genomic context (GRCh38, chr4:118,745,033, plus strand): 5'-TGTCATCTCTGTTTTTGAGCTTCCCTGGTGCTTCAGCAGTTGGCAAGGAAGAATGGAAGA[T>C]GAACAGCTTCCCAGGACAGTCTGCTGCCTAAAAAAAAAAAAAAACCCAAAAACCCACAGA-3'
Protein context (NP_055637.2, residues 569-589): KAADCPGKLF[Ile579Val]FHSSLPTAEA

ClinVar aggregate classification (germline): Uncertain significance (1 of 4 stars; one submission).

gnomAD v4.1: 2 of 1,606,052 alleles (0.00012%); highest among the groups gnomAD compares: Non-Finnish European, 0.000085%; no homozygotes.

Submission:

Labcorp Genetics (formerly Invitae), Labcorp
Classification: Uncertain significance. Last evaluated: 2025-04-03. Review status: criteria provided, single submitter. Criteria: Invitae Variant Classification Sherloc (09022015). Collection method: clinical testing. Allele origin: germline.
Comment: This sequence change replaces isoleucine, which is neutral and non-polar, with valine, which is neutral and non-polar, at codon 579 of the SEC24D protein (p.Ile579Val). This variant is present in population databases (no rsID available, gnomAD 0.0009%). This variant has not been reported in the literature in individuals affected with SEC24D-related conditions. An algorithm developed to predict the effect of missense changes on protein structure and function outputs the following: PolyPhen-2: "Benign". The valine amino acid residue is found in multiple mammalian species, which suggests that this missense change does not adversely affect protein function. In summary, the available evidence is currently insufficient to determine the role of this variant in disease. Therefore, it has been classified as a Variant of Uncertain Significance.